The following is an entry in ClinVar:

NM_024577.4(SH3TC2):c.*2237G>A

Gene: SH3TC2 (SH3 domain and tetratricopeptide repeats 2; minus strand). Cytogenetic location: 5q32.
Variant type: single nucleotide variant.
Coding change: c.*2237G>A on transcript NM_024577.4 (MANE Select); 2237 bases downstream of the stop codon, G replaced by A.
Molecular consequence: 3 prime UTR variant.
Genome position (GRCh38, 1-based): chr5:149,002,474, C>T on the plus strand (G>A on the coding strand, the complement: SH3TC2 is on the minus strand). VCF-style: chr5-149002474-C-T. GRCh37 (hg19) VCF-style: chr5-148382037-C-T.
Identifiers: ClinVar variation 907186 (VCV000907186.5), dbSNP rs76481943, ClinGen allele CA128993245.

ClinVar aggregate classification (germline): Benign/Likely benign. Review status: criteria provided, multiple submitters, no conflicts (2 of 4 stars). 3 submissions from 2 submitters: Benign (2); Likely benign (1). Last evaluated 2021-05-22.

Conditions:
Susceptibility to mononeuropathy of the median nerve, mild. Also called: CARPAL TUNNEL SYNDROME, SUSCEPTIBILITY TO. Identifiers: MedGen C3150596, MONDO:0013237, OMIM 613353.
Charcot-Marie-Tooth disease type 4C (CMT4C). Also called: CMT 4C; SH3TC2-Related Hereditary Motor and Sensory Neuropathy; Charcot-Marie-Tooth Neuropathy Type 4C (CMT4C); CHARCOT-MARIE-TOOTH DISEASE, DEMYELINATING, TYPE 4C; CHARCOT-MARIE-TOOTH DISEASE, DEMYELINATING, AUTOSOMAL RECESSIVE, TYPE 4C. Identifiers: Orphanet 99949, MedGen C1866636, MONDO:0011113, OMIM 601596.

Allele frequency attached by ClinVar (database versions not stated): gnomAD 0.00988 and 0.01060; 1000 Genomes Project 0.01018; 1000 Genomes Project 30x 0.01124; TOPMed 0.01149.

Submissions (3):

GeneDx
Classification: Likely benign. Last evaluated: 2021-05-22. Review status: criteria provided, single submitter. Criteria: GeneDx Variant Classification Process June 2021. Collection method: clinical testing. Allele origin: germline. Affected: yes.

Illumina Laboratory Services, Illumina
Classification: Benign for Charcot-Marie-Tooth disease type 4C. Last evaluated: 2018-01-13. Review status: criteria provided, single submitter. Criteria: ICSL Variant Classification Criteria 13 December 2019. Collection method: clinical testing. Allele origin: germline.
Comment: This variant was observed in the ICSL laboratory as part of a predisposition screen in an ostensibly healthy population. It had not been previously curated by ICSL or reported in the Human Gene Mutation Database (HGMD: prior to June 1st, 2018), and was therefore a candidate for classification through an automated scoring system. Utilizing variant allele frequency, disease prevalence and penetrance estimates, and inheritance mode, an automated score was calculated to assess if this variant is too frequent to cause the disease. Based on the score and internal cut-off values, a variant classified as benign is not then subjected to further curation. The score for this variant resulted in a classification of benign for this disease.

Illumina Laboratory Services, Illumina
Classification: Benign for Susceptibility to mononeuropathy of the median nerve, mild. Last evaluated: 2018-01-13. Review status: criteria provided, single submitter. Criteria: ICSL Variant Classification Criteria 13 December 2019. Collection method: clinical testing. Allele origin: germline.
Comment: the same text as in the submission from Illumina Laboratory Services, Illumina above.